The following is an entry in ClinVar:

ClinVar aggregate classification (germline): Conflicting classifications of pathogenicity. Review status: criteria provided, conflicting classifications (1 of 4 stars). 4 submissions from 4 submitters: Uncertain significance (2); Likely benign (1). 1 of the submissions does not count toward it. Last evaluated 2026-02-01.

Conditions:
Autosomal recessive limb-girdle muscular dystrophy type 2A (LGMDR1). Also called: LEYDEN-MOEBIUS MUSCULAR DYSTROPHY; MUSCULAR DYSTROPHY, PELVOFEMORAL; Limb-girdle muscular dystrophy, type 2A; Calpainopathy; Muscular dystrophy, limb-girdle, type 2A, Amish. Identifiers: Orphanet 267, MedGen C1869123, MONDO:0009675, OMIM 253600. Disease mechanism: loss of function.

Allele frequency attached by ClinVar (database versions not stated): 1000 Genomes Project 30x 0.00047; gnomAD 0.00053 and 0.00054; TOPMed 0.00057; 1000 Genomes Project 0.00060; ESP Exome Variant Server 0.00062; gnomAD exomes 0.00078; ExAC 0.00085.
gnomAD v4.1: 1,535 of 1,557,074 alleles (0.099%); highest among the groups gnomAD compares: Non-Finnish European, 0.12%; 2 homozygotes.

Submissions (4):

Labcorp Genetics (formerly Invitae), Labcorp
Classification: Likely benign for Autosomal recessive limb-girdle muscular dystrophy type 2A. Last evaluated: 2026-02-01. Review status: criteria provided, single submitter. Criteria: Invitae Variant Classification Sherloc (09022015). Collection method: clinical testing. Allele origin: germline.

Baylor Genetics
Classification: Uncertain significance for Autosomal recessive limb-girdle muscular dystrophy type 2A. Last evaluated: 2020-04-12. Review status: criteria provided, single submitter. Criteria: ACMG Guidelines, 2015. Collection method: clinical testing. Allele origin: unknown. Affected: yes.
Comment: This variant was determined to be of uncertain significance according to ACMG Guidelines, 2015 [PMID:25741868].

Eurofins Ntd Llc (ga)
Classification: Uncertain significance. Last evaluated: 2018-03-16. Review status: criteria provided, single submitter. Criteria: EGL ClinVar v180209 classification definitions. Collection method: clinical testing. Allele origin: germline. Observed: 4 variant alleles, 4 heterozygotes.

Natera, Inc.
Classification: Uncertain significance for Limb-girdle muscular dystrophy type 2A. Last evaluated: 2020-05-25. Review status: no assertion criteria provided. Collection method: clinical testing. Allele origin: germline. Not counted in ClinVar's aggregate classification.

NM_000070.3(CAPN3):c.2380+19C>T

Gene: CAPN3 (calpain 3; plus strand). Cytogenetic location: 15q15.1.
Variant type: single nucleotide variant.
Coding change: c.2380+19C>T on transcript NM_000070.3 (MANE Select); 19 bases into the intron after coding-DNA position 2380, C replaced by T.
Molecular consequence: intron variant.
Genome position (GRCh38, 1-based): chr15:42,411,019, C>T. VCF-style: chr15-42411019-C-T. GRCh37 (hg19) VCF-style: chr15-42703217-C-T.
Other names: c.2362+19C>T (NM_024344.2); c.2104+19C>T (NM_173087.2); c.844+19C>T (NM_173088.2); c.385+19C>T (NM_173090.2, NM_173089.2).
Identifiers: ClinVar variation 501928 (VCV000501928.16), dbSNP rs141234995, ClinGen allele CA7511845.